The following is an entry in ClinVar:

NM_000136.3(FANCC):c.447G>T (p.Leu149Phe)

Gene: FANCC (FA complementation group C; minus strand). Cytogenetic location: 9q22.32.
Variant type: single nucleotide variant.
Coding change: c.447G>T on transcript NM_000136.3 (MANE Select); coding-DNA position 447, G replaced by T.
Protein change: p.Leu149Phe; replaces leucine 149 with phenylalanine.
Molecular consequence: missense variant.
Genome position (GRCh38, 1-based): chr9:95,172,046, C>A on the plus strand (G>T on the coding strand, the complement: FANCC is on the minus strand). VCF-style: chr9-95172046-C-A. GRCh37 (hg19) VCF-style: chr9-97934328-C-A.
Other names: c.447G>T, p.Leu149Phe (NM_001243743.2, NM_001243744.2); short protein forms L149F.
Identifiers: ClinVar variation 4842790 (VCV004842790.1).

ClinVar aggregate classification (germline): Uncertain significance (1 of 4 stars; one submission).

Conditions:
Hereditary cancer-predisposing syndrome. Also called: Neoplastic Syndromes, Hereditary; Tumor predisposition; Hereditary Cancer Syndrome; Hereditary neoplastic syndrome. Identifiers: Orphanet 140162, MedGen C0027672, MeSH D009386, MONDO:0015356.

Submission:

Ambry Genetics
Classification: Uncertain significance for Hereditary cancer-predisposing syndrome. Last evaluated: 2026-01-11. Review status: criteria provided, single submitter. Criteria: Ambry Variant Classification Scheme 2023. Collection method: clinical testing. Allele origin: germline.
Comment: The p.L149F variant (also known as c.447G>T), located in coding exon 4 of the FANCC gene, results from a G to T substitution at nucleotide position 447. The leucine at codon 149 is replaced by phenylalanine, an amino acid with highly similar properties. This amino acid position is conserved. In addition, the in silico prediction for this alteration is inconclusive. Based on the available evidence, the clinical significance of this variant remains unclear.